The following is an entry in ClinVar:

ClinVar aggregate classification (germline): Conflicting classifications of pathogenicity. Review status: criteria provided, conflicting classifications (1 of 4 stars). 2 submissions from 2 submitters: Uncertain significance (1); Likely benign (1). Last evaluated 2026-05-10.

Conditions:
ANKRD26-related disorder. Also called: ANKRD26-related condition.
Inborn genetic diseases. Identifiers: MedGen C0950123, MeSH D030342.

Submissions (2):

PreventionGenetics, part of Exact Sciences
Classification: Uncertain significance for ANKRD26-related condition. Last evaluated: 2026-05-10. Review status: criteria provided, single submitter. Criteria: ACMG Guidelines, 2015. Collection method: clinical testing. Allele origin: germline.
Comment: The ANKRD26 c.3526C>A variant is predicted to result in the amino acid substitution p.Gln1176Lys. To our knowledge, this variant has not been reported in the literature or in a large population database (gnomAD), indicating this variant is rare. At this time, the clinical significance of this variant is uncertain due to the absence of conclusive functional and genetic evidence.

Ambry Genetics
Classification: Likely benign for Inborn genetic diseases. Last evaluated: 2026-03-04. Review status: criteria provided, single submitter. Criteria: Ambry Variant Classification Scheme 2023. Collection method: clinical testing. Allele origin: germline.

NM_014915.3(ANKRD26):c.3526C>A (p.Gln1176Lys)

Gene: ANKRD26 (ankyrin repeat domain 26; minus strand). Cytogenetic location: 10p12.1.
Variant type: single nucleotide variant.
Coding change: c.3526C>A on transcript NM_014915.3 (MANE Select); coding-DNA position 3526, C replaced by A.
Protein change: p.Gln1176Lys; replaces glutamine 1176 with lysine.
Molecular consequence: missense variant.
Genome position (GRCh38, 1-based): chr10:27,034,924, G>T on the plus strand (C>A on the coding strand, the complement: ANKRD26 is on the minus strand). VCF-style: chr10-27034924-G-T. GRCh37 (hg19) VCF-style: chr10-27323853-G-T.
Other names: c.3523C>A, p.Gln1175Lys (NM_001256053.2); short protein forms Q1175K, Q1176K.
Identifiers: ClinVar variation 4826416 (VCV004826416.2).